The following is an entry in ClinVar:

NM_032043.3(BRIP1):c.788del (p.Leu263fs)

Gene: BRIP1 (BRCA1 interacting DNA helicase 1; minus strand). Cytogenetic location: 17q23.2.
Variant type: Deletion.
Coding change: c.788del on transcript NM_032043.3 (MANE Select); coding-DNA position 788, one base deleted (T; older notation c.788delT).
Protein change: p.Leu263fs; shifts the reading frame from leucine 263.
Molecular consequence: frameshift variant.
Genome position (GRCh38, 1-based): chr17:61,808,597, A deleted on the plus strand (T on the coding strand, the reverse complement: BRIP1 is on the minus strand). VCF-style (leftmost placement, unchanged base first): chr17-61808596-GA-G. GRCh37 (hg19) VCF-style: chr17-59885957-GA-G.
Other names: short protein forms L263fs.
Identifiers: ClinVar variation 2583757 (VCV002583757.2), dbSNP rs2545196150, ClinGen allele CA2582342247.
Genomic context (GRCh38, chr17:61,808,596, plus strand): 5'-ACAAGTATGATCCCTGCTGGAAAGAATAGTCATTGGAACCCCTGAATATGCCGTCCTCCG[GA>G]GCTCTCTAGTAATCTGAGCAATCTGCTTGTGTGTGCGTGTCCCAAAATATATTTTGGGTA-3'

ClinVar aggregate classification (germline): Pathogenic (1 of 4 stars; one submission).

Conditions:
Familial cancer of breast. Also called: BREAST CANCER, FAMILIAL; hereditary breast carcinoma; Hereditary breast cancer. Identifiers: Orphanet 227535, MedGen C0346153, MONDO:0016419, OMIM 114480. Disease mechanism: loss of function.

Submission:

Myriad Genetics, Inc.
Classification: Pathogenic for Familial cancer of breast. Last evaluated: 2023-05-31. Review status: criteria provided, single submitter. Criteria: Myriad Autosomal Dominant, Autosomal Recessive and X-Linked Classification Criteria (2023). Collection method: clinical testing. Allele origin: unknown.
Comment: This variant is considered pathogenic. This variant creates a frameshift predicted to result in premature protein truncation.